The following is an entry in ClinVar:

ClinVar aggregate classification (germline): Uncertain significance (1 of 4 stars; one submission).

Submission:

Labcorp Genetics (formerly Invitae), Labcorp
Classification: Uncertain significance. Last evaluated: 2024-01-04. Review status: criteria provided, single submitter. Criteria: Invitae Variant Classification Sherloc (09022015). Collection method: clinical testing. Allele origin: germline.
Comment: This sequence change replaces threonine, which is neutral and polar, with serine, which is neutral and polar, at codon 522 of the DUOX2 protein (p.Thr522Ser). This variant is not present in population databases (gnomAD no frequency). This variant has not been reported in the literature in individuals affected with DUOX2-related conditions. Advanced modeling of protein sequence and biophysical properties (such as structural, functional, and spatial information, amino acid conservation, physicochemical variation, residue mobility, and thermodynamic stability) performed at Invitae indicates that this missense variant is not expected to disrupt DUOX2 protein function with a negative predictive value of 80%. In summary, the available evidence is currently insufficient to determine the role of this variant in disease. Therefore, it has been classified as a Variant of Uncertain Significance.

NM_001363711.2(DUOX2):c.1564A>T (p.Thr522Ser)

Gene: DUOX2 (dual oxidase 2; minus strand). Cytogenetic location: 15q21.1.
Variant type: single nucleotide variant.
Coding change: c.1564A>T on transcript NM_001363711.2 (MANE Select); coding-DNA position 1564, A replaced by T.
Protein change: p.Thr522Ser; replaces threonine 522 with serine.
Molecular consequence: missense variant.
Genome position (GRCh38, 1-based): chr15:45,108,057, T>A on the plus strand (A>T on the coding strand, the complement: DUOX2 is on the minus strand). VCF-style: chr15-45108057-T-A. GRCh37 (hg19) VCF-style: chr15-45400255-T-A.
Other names: c.1564A>T, p.Thr522Ser (NM_014080.5); short protein forms T522S.
Identifiers: ClinVar variation 2707668 (VCV002707668.3), dbSNP rs1894271145, ClinGen allele CA392276180.